The following is an entry in ClinVar:

NM_198578.4(LRRK2):c.347A>G (p.Gln116Arg)

Gene: LRRK2 (leucine rich repeat kinase 2; plus strand). Cytogenetic location: 12q12.
Variant type: single nucleotide variant.
Coding change: c.347A>G on transcript NM_198578.4 (MANE Select); coding-DNA position 347, A replaced by G.
Protein change: p.Gln116Arg; replaces glutamine 116 with arginine.
Molecular consequence: missense variant.
Genome position (GRCh38, 1-based): chr12:40,232,383, A>G. VCF-style: chr12-40232383-A-G. GRCh37 (hg19) VCF-style: chr12-40626185-A-G.
Other names: short protein forms Q116R.
Identifiers: ClinVar variation 1296540 (VCV001296540.10), dbSNP rs144883021, ClinGen allele CA6513053.

ClinVar aggregate classification (germline): Benign/Likely benign. Review status: criteria provided, multiple submitters, no conflicts (2 of 4 stars). 3 submissions from 3 submitters: Benign (1); Likely benign (2). Last evaluated 2025-11-08.

Conditions:
LRRK2-related disorder. Also called: LRRK2-related condition.
Autosomal dominant Parkinson disease 8. Also called: LRRK2-Related Parkinson Disease; Parkinson disease 8; Parkinson disease 8, susceptibility to. Identifiers: Orphanet 411602, MedGen C1846862, MONDO:0011764, OMIM 607060.

Allele frequency attached by ClinVar (database versions not stated): gnomAD 0.00085 and 0.00082; ESP Exome Variant Server 0.00100; gnomAD exomes 0.00008 and 0.00020; ExAC 0.00027; 1000 Genomes Project 30x 0.00078; TOPMed 0.00079; 1000 Genomes Project 0.00080.
gnomAD v4.1: 254 of 1,606,448 alleles (0.016%); highest among the groups gnomAD compares: African/African-American, 0.27%; no homozygotes.

Submissions (3):

Labcorp Genetics (formerly Invitae), Labcorp
Classification: Likely benign for Autosomal dominant Parkinson disease 8. Last evaluated: 2025-11-08. Review status: criteria provided, single submitter. Criteria: Invitae Variant Classification Sherloc (09022015). Collection method: clinical testing. Allele origin: germline.

PreventionGenetics, part of Exact Sciences
Classification: Likely benign for LRRK2-related condition. Last evaluated: 2025-04-23. Review status: criteria provided, single submitter. Criteria: ACMG Guidelines, 2015. Collection method: clinical testing. Allele origin: germline.
Comment: This variant is classified as likely benign based on ACMG/AMP sequence variant interpretation guidelines (Richards et al. 2015 PMID: 25741868, with internal and published modifications).

GeneDx
Classification: Benign. Last evaluated: 2021-05-07. Review status: criteria provided, single submitter. Criteria: GeneDx Variant Classification Process June 2021. Collection method: clinical testing. Allele origin: germline. Affected: yes.
Comment: This variant is associated with the following publications: (PMID: 24565865, 25558820)